The following is an entry in ClinVar:

ClinVar aggregate classification (germline): Uncertain significance. Review status: criteria provided, multiple submitters, no conflicts (2 of 4 stars). 3 submissions from 3 submitters: Uncertain significance (3). Last evaluated 2025-09-08.

Conditions:
Inborn genetic diseases. Identifiers: MedGen C0950123, MeSH D030342.
Severe growth deficiency-strabismus-extensive dermal melanocytosis-intellectual disability syndrome (NEDMIGS). Also called: NEURODEVELOPMENTAL DISORDER WITH MICROCEPHALY AND GRAY SCLERAE. Identifiers: Orphanet 488627, MedGen C4310745, MONDO:0014886, OMIM 617051.

Allele frequency attached by ClinVar (database versions not stated): gnomAD exomes 0.00006; ExAC 0.00008; gnomAD 0.00018 and 0.00021; TOPMed 0.00019; ESP Exome Variant Server 0.00054.
gnomAD v4.1: 45 of 1,614,076 alleles (0.0028%); highest among the groups gnomAD compares: African/African-American, 0.055%; no homozygotes.

Submissions (3):

Labcorp Genetics (formerly Invitae), Labcorp
Classification: Uncertain significance. Last evaluated: 2025-09-08. Review status: criteria provided, single submitter. Criteria: Invitae Variant Classification Sherloc (09022015). Collection method: clinical testing. Allele origin: germline.
Comment: This sequence change replaces asparagine, which is neutral and polar, with serine, which is neutral and polar, at codon 454 of the PUS3 protein (p.Asn454Ser). This variant is present in population databases (rs201997946, gnomAD 0.08%). This variant has not been reported in the literature in individuals affected with PUS3-related conditions. ClinVar contains an entry for this variant (Variation ID: 1442454). An algorithm developed to predict the effect of missense changes on protein structure and function outputs the following: PolyPhen-2: "Benign". The serine amino acid residue is found in multiple mammalian species, which suggests that this missense change does not adversely affect protein function. In summary, the available evidence is currently insufficient to determine the role of this variant in disease. Therefore, it has been classified as a Variant of Uncertain Significance.

Ambry Genetics
Classification: Uncertain significance for Inborn genetic diseases. Last evaluated: 2024-10-08. Review status: criteria provided, single submitter. Criteria: Ambry Variant Classification Scheme 2023. Collection method: clinical testing. Allele origin: germline.

Laboratorio de Genetica e Diagnostico Molecular, Hospital Israelita Albert Einstein
Classification: Uncertain significance for Severe growth deficiency-strabismus-extensive dermal melanocytosis-intellectual disability syndrome. Last evaluated: 2024-07-01. Review status: criteria provided, single submitter. Criteria: ACMG Guidelines, 2015. Collection method: clinical testing. Allele origin: germline. Affected: yes.
Comment: ACMG classification criteria: PM2 supporting, BP4 supporting

NM_031307.4(PUS3):c.1361A>G (p.Asn454Ser)

Genes: HYLS1 (HYLS1 centriolar and ciliogenesis associated; plus strand), PUS3 (pseudouridine synthase 3; minus strand). Cytogenetic location: 11q24.2.
Variant type: single nucleotide variant.
Coding change: c.1361A>G on transcript NM_031307.4 (MANE Select); coding-DNA position 1361, A replaced by G.
Protein change: p.Asn454Ser; replaces asparagine 454 with serine.
Molecular consequence: missense variant. On other transcripts: intron variant (5).
Genome position (GRCh38, 1-based): chr11:125,893,870, T>C on the plus strand (A>G on the coding strand, the complement: PUS3 is on the minus strand). VCF-style: chr11-125893870-T-C. GRCh37 (hg19) VCF-style: chr11-125763765-T-C.
Other names: c.737A>G, p.Asn246Ser (NM_001271985.2); c.-81+2398T>C (NM_145014.3); c.-26+2398T>C (NM_001134793.2); c.-23+2398T>C (NM_001424364.1); c.-25-5474T>C (NM_001377269.1); c.-22-5477T>C (NM_001377270.1); short protein forms N246S, N454S.
Identifiers: ClinVar variation 1442454 (VCV001442454.7), dbSNP rs201997946, ClinGen allele CA6350324.